The following is an entry in ClinVar:

NM_007294.4(BRCA1):c.5137G>A (p.Val1713Ile)

Gene: BRCA1 (BRCA1 DNA repair associated; minus strand). Cytogenetic location: 17q21.31.
Variant type: single nucleotide variant.
Coding change: c.5137G>A on transcript NM_007294.4 (MANE Select); coding-DNA position 5137, G replaced by A.
Protein change: p.Val1713Ile; replaces valine 1713 with isoleucine.
Molecular consequence: missense variant. On other transcripts: non-coding transcript variant (1).
Genome position (GRCh38, 1-based): chr17:43,063,889, C>T on the plus strand (G>A on the coding strand, the complement: BRCA1 is on the minus strand). VCF-style: chr17-43063889-C-T. GRCh37 (hg19) VCF-style: chr17-41215906-C-T.
Other names: c.4990G>A, p.Val1664Ile (NM_001407849.1, NM_001407850.1, NM_001407851.1 and 12 more transcripts); c.5137G>A, p.Val1713Ile (NM_001407854.1, NM_001407684.1, NM_001407593.1 and 7 more transcripts); c.5134G>A, p.Val1712Ile (NM_001407858.1, NM_001407859.1, NM_001407860.1 and 17 more transcripts); c.5131G>A, p.Val1711Ile (NM_001407861.1, NM_001407627.1, NM_001407628.1 and 14 more transcripts); c.5128G>A, p.Val1710Ile (NM_001407644.1, NM_001407645.1); c.5125G>A, p.Val1709Ile (NM_001407646.1); c.5122G>A, p.Val1708Ile (NM_001407647.1); c.5080G>A, p.Val1694Ile (NM_001407648.1); and 71 more; short protein forms V1713I, V1734I, V1666I, V609I, V1416I, V1417I, V1602I, V1623I.
Identifiers: ClinVar variation 418578 (VCV000418578.40), dbSNP rs1064793309, ClinGen allele CA10591268.

ClinVar aggregate classification (germline): Conflicting classifications of pathogenicity. Review status: criteria provided, conflicting classifications (1 of 4 stars). 8 submissions from 8 submitters: Uncertain significance (5); Benign (1); Likely benign (2). Last evaluated 2025-07-27.

Conditions:
Hereditary cancer-predisposing syndrome. Also called: Tumor predisposition; Hereditary neoplastic syndrome; Hereditary Cancer Syndrome; Neoplastic Syndromes, Hereditary. Identifiers: Orphanet 140162, MedGen C0027672, MeSH D009386, MONDO:0015356.
Ovarian cancer. Also called: OVARIAN CANCER, SOMATIC. Identifiers: Orphanet 213500, MedGen C1140680, MONDO:0008170, OMIM 167000.
Hereditary breast ovarian cancer syndrome. Also called: Hereditary breast and ovarian cancer syndrome; BRCA1- and BRCA2-Associated Hereditary Breast and Ovarian Cancer; Hereditary breast and/or ovarian cancer syndrome; Hereditary breast and ovarian cancer syndrome (HBOC); Breast and ovarian cancer; Hereditary breast and ovarian cancer. Identifiers: Orphanet 145, MedGen C0677776, MeSH D061325, MONDO:0003582. Disease mechanism: loss of function.
Breast-ovarian cancer, familial, susceptibility to, 1 (BROVCA1). Also called: BRCA1 Hereditary Breast and Ovarian Cancer; OVARIAN CANCER, SUSCEPTIBILITY TO. Identifiers: Orphanet 145, MedGen C2676676, MONDO:0011450, OMIM 604370. Disease mechanism: loss of function.

Submissions (9):

Labcorp Genetics (formerly Invitae), Labcorp
Classification: Uncertain significance for Hereditary breast ovarian cancer syndrome. Last evaluated: 2025-07-27. Review status: criteria provided, single submitter. Criteria: Invitae Variant Classification Sherloc (09022015). Collection method: clinical testing. Allele origin: germline.
Comment: This sequence change replaces valine, which is neutral and non-polar, with isoleucine, which is neutral and non-polar, at codon 1713 of the BRCA1 protein (p.Val1713Ile). This variant is not present in population databases (gnomAD no frequency). This variant has not been reported in the literature in individuals affected with BRCA1-related conditions. ClinVar contains an entry for this variant (Variation ID: 418578). Invitae Evidence Modeling incorporating data from in vitro experimental studies (PMID: 30209399) indicates that this missense variant is not expected to disrupt BRCA1 function with a negative predictive value of 95%. This variant disrupts the p.Val1713 amino acid residue in BRCA1. Other variant(s) that disrupt this residue have been determined to be pathogenic (PMID: 7611277, 17305420, 20516115, 25556971, 30209399; internal data). This suggests that this residue is clinically significant, and that variants that disrupt this residue are likely to be disease-causing. In summary, the available evidence is currently insufficient to determine the role of this variant in disease. Therefore, it has been classified as a Variant of Uncertain Significance.

Quest Diagnostics Nichols Institute San Juan Capistrano
Classification: Uncertain significance. Last evaluated: 2024-09-12. Review status: criteria provided, single submitter. Criteria: Quest Diagnostics criteria. Collection method: clinical testing. Allele origin: unknown.
Comment: The BRCA1 c.5137G>A (p.Val1713Ile) variant has been reported in the published literature in a saturation genome editing study as not impacting protein function (PMID: 30209399 (2018)), however further evidence is needed to determine the global effect of this variant on BRCA1 function. Other variants that disrupt the p.1713 residue have been classified as pathogenic (PMIDs: 25556971 (2015), 20516115 (2010), 17305420 (2007), 7611277 (1995)). This variant has not been reported in large, multi-ethnic general populations (Genome Aggregation Database). Analysis of this variant using bioinformatics tools for the prediction of the effect of amino acid changes on protein structure and function yielded predictions that this variant is benign. Based on the available information, we are unable to determine the clinical significance of this variant.

Lupski Lab, Baylor-Hopkins CMG, Baylor College of Medicine
Classification: Likely benign for Breast-ovarian cancer, familial, susceptibility to, 1. Last evaluated: 2024-04-12. Review status: criteria provided, single submitter. Criteria: Dawood et al. (medRxiv. 2024). Collection method: curation. Allele origin: germline.
Comment: Each variant was annotated with functional scores from MAVE data which was translated into functional evidence codes. All other evidence codes and combining criteria were adhered to as closely as possible based on the ClinGen VCEP (Variant Curation Expert Panel) gene-specific recommendations. See Supplemental Figure 34 of final paper (Supp Fig. 28 in preprint: doi:10.1101/2024.04.11.24305690) for a table to see which lines of evidence we did not have data for. The ClinGen VCEPs are highly regarded as the gold-standard for gene-specific variant curation and are developed after extensive evaluation of the evidence by clinical and scientific experts for the particular gene to classify genomic variants on a spectrum from pathogenic to benign using the 2015 ACMG/AMP Variant Interpretation Guidelines as a backbone (PMID: 25741868). Reclassification of these VUS variants from gnomAD or All of Us focused only on variants originally prescribed as VUS in ClinVar. To ensure reproducibility, transparency, and increased throughput, all the procedures for annotating variants and assigning evidence codes were codified using Python. All code has been made freely available and is linked in the Code Availability section and all reclassified variants with evidence codes used can be found in Tables S18-19 (preprint: doi:10.1101/2024.04.11.24305690). For the MAVE data, the clinical curation and clinical strength assignment as per the ClinGen recommendations in Brnich et al. (2020) (PMID: 31892348) for or against pathogenicity or benignity of each of these MAVE datasets utilized in this study were previously published in Fayer et al. (2021) (PMID: 34793697).In brief, for BRCA1 variants, if a variant was categorized as FUNC (functional), it was assigned BS3 evidence and no PS3 evidence, whereas if it was categorized as LOF (loss of function), the variant was assigned PS3 evidence and no BS3 evidence. Variants categorized as INT (intermediate) were left unannotated. For the BRCA1 combining criteria, greater than or equal to 1 criteria of strong benign evidence was enough to reclassify the VUS as Likely Benign. This variant GRCh38:17:43063889:C>T was assigned evidence codes ['BS3', 'BP4'] and an overall classification of Likely benign

CeGaT Center for Human Genetics Tuebingen
Classification: Uncertain significance. Last evaluated: 2024-03-01. Review status: criteria provided, single submitter. Criteria: CeGaT Center For Human Genetics Tuebingen Variant Classification Criteria Version 2. Collection method: clinical testing. Allele origin: germline. Affected: yes. Observed: 1 variant allele.
Comment: BRCA1: PM2, PM5, BP1, BP4, BS3:Supporting

All of Us Research Program, National Institutes of Health
Classification: Uncertain significance for Breast-ovarian cancer, familial, susceptibility to, 1. Last evaluated: 2023-05-04. Review status: criteria provided, single submitter. Criteria: ACMG Guidelines, 2015. Collection method: clinical testing. Allele origin: germline. Inheritance: Autosomal dominant inheritance. Observed: 1 variant allele, 1 heterozygote.
Comment: This missense variant replaces valine with isoleucine at codon 1713 of the BRCA1 protein. Computational prediction suggests that this variant may not impact protein structure and function (internally defined REVEL score threshold <= 0.5, PMID: 27666373). Functional studies have reported conflicting findings for this variant with no impact in protease sensitivity and in a haploid cell proliferation assay (PMID: 20516115, 30209399) and defects in peptide binding, binding specificity and transcription activation assays (PMID: 17305420, 20516115). This variant has been reported in two individuals with suspicious cancer history and an individual affected with breast and ovarian cancer who also has a BRCA1 pathogenic truncation variant (PMID: 7611277, 25556971). Three different missense variants with glycine, alanine and leucine substitutions have been reported as disease-causing in ClinVar (variation ID: 55412, 868700, 868702, 1745580). This variant has not been identified in the general population by the Genome Aggregation Database (gnomAD). The available evidence is insufficient to determine the role of this variant in disease conclusively. Therefore, this variant is classified as a Variant of Uncertain Significance.

This study involves interpretation of variants in research participants for the purpose of population health screening. Participant phenotype was not available at the time of variant classification. Additional details can be found in publication PMID: 35346344, PMCID: PMC8962531

Ambry Genetics
Classification: Likely benign for Hereditary cancer-predisposing syndrome. Last evaluated: 2022-06-21. Review status: criteria provided, single submitter. Criteria: Ambry Variant Classification Scheme 2023. Collection method: clinical testing. Allele origin: germline.

Laboratory of Molecular Epidemiology of Birth Defects, West China Second University Hospital, Sichuan University
Classification: Benign for Ovarian cancer. Last evaluated: 2022-01-01. Review status: criteria provided, single submitter. Criteria: ACMG Guidelines, 2015. Collection method: clinical testing. Allele origin: germline. Affected: yes.

GeneDx
Classification: Uncertain significance. Last evaluated: 2017-12-20. Review status: criteria provided, single submitter. Criteria: GeneDx Variant Classification (06012015). Collection method: clinical testing. Allele origin: germline. Affected: yes.
Comment: This variant is denoted BRCA1 c.5137G>A at the cDNA level, p.Val1713Ile (V1713I) at the protein level, and results in the change of a Valine to an Isoleucine (GTA>ATA). Using alternate nomenclature, this variant would be defined as BRCA1 5256G>A. This variant has not, to our knowledge, been published in the literature as pathogenic or benign. BRCA1 Val1713Ile was not observed in approximately 6,500 individuals of European and African American ancestry in the NHLBI Exome Sequencing Project, suggesting it is not a common benign variant in these populations. Since Valine and Isoleucine share similar properties, this is considered a conservative amino acid substitution. BRCA1 Val1713Ile occurs at a position where amino acids with properties similar to Valine are tolerated across species and is located within the BRCT1 domain and a region of interaction with multiple proteins (Paul 2014, UniProt). In silico analyses are inconsistent regarding the effect this variant may have on protein structure or function. Based on currently available evidence, it is unclear whether BRCA1 Val1713Ile is pathogenic or benign. We consider it to be a variant of uncertain significance.

Brotman Baty Institute, University of Washington
No classification provided (evidence only). Condition: Breast-ovarian cancer, familial 1. Review status: no classification provided. Collection method: in vitro. Allele origin: not applicable. Functional consequence: functionally_normal. Not counted in ClinVar's aggregate classification.
ClinVar note: "not provided" was previously submitted as the classification for the variant. However, the classification appeared to be based only on an observation of functional data so it was converted to no classification on 2025-07-30.

Literature cited by the submitters: PubMed 30209399 (cited by 4 submitters); PubMed 7611277 (cited by 3 submitters); PubMed 17305420 (cited by 3 submitters); PubMed 20516115 (cited by 3 submitters); PubMed 25556971 (cited by 3 submitters); PubMed 39142283 (cited by Lupski Lab, Baylor-Hopkins CMG, Baylor College of Medicine); PubMed 34793697 (cited by Lupski Lab, Baylor-Hopkins CMG, Baylor College of Medicine); DOI 10.1101/2024.04.11.24305690 (cited by Lupski Lab, Baylor-Hopkins CMG, Baylor College of Medicine).